The following is an entry in ClinVar:

Conditions:
Long QT syndrome 5 (LQT5). Identifiers: Orphanet 101016, Orphanet 768, MedGen C1867904, MONDO:0013372, OMIM 613695.

Submission:

Roden Lab, Vanderbilt University Medical Center
No classification provided (evidence only). Condition: Long QT syndrome 5. Review status: no classification provided. Collection method: in vitro. Allele origin: not applicable. Functional consequence: Effect on ion channel function.
ClinVar note: "not provided" was previously submitted as the classification for the variant. However, the classification appeared to be based only on an observation of functional data so it was converted to no classification on 2025-07-30.

NM_000219.6(KCNE1):c.332A>C (p.Asn111Thr)

Gene: KCNE1 (potassium voltage-gated channel subfamily E regulatory subunit 1; minus strand). Cytogenetic location: 21q22.12.
Variant type: single nucleotide variant.
Coding change: c.332A>C on transcript NM_000219.6 (MANE Select); coding-DNA position 332, A replaced by C.
Protein change: p.Asn111Thr; replaces asparagine 111 with threonine.
Molecular consequence: missense variant.
Genome position (GRCh38, 1-based): chr21:34,449,303, T>G on the plus strand (A>C on the coding strand, the complement: KCNE1 is on the minus strand). VCF-style: chr21-34449303-T-G. GRCh37 (hg19) VCF-style: chr21-35821601-T-G.
Other names: c.332A>C, p.Asn111Thr (NM_001127668.4, NM_001127669.4, NM_001127670.4 and 4 more transcripts); short protein forms N111T.
Identifiers: ClinVar variation 3374662 (VCV003374662.2).
Genomic context (GRCh38, chr21:34,449,303, plus strand): 5'-GTTCATGGGGAAGGCTTCGTCTCAGGAAGGTGTGTGTTGGGTTGTTCTATGGCCAGATGG[T>G]TTTCAACGACATAGCACGACCTGTAGCTCTCCAGGACCCGGGCCTGGACATAGGCCTTGT-3'
Protein context (NP_000210.2, residues 101-121): ESYRSCYVVE[Asn111Thr]HLAIEQPNTH